The following is an entry in ClinVar:

ClinVar aggregate classification (germline): Uncertain significance. Review status: criteria provided, multiple submitters, no conflicts (2 of 4 stars). 2 submissions from 2 submitters: Uncertain significance (2). Last evaluated 2026-01-16.

Conditions:
Inborn genetic diseases. Identifiers: MedGen C0950123, MeSH D030342.

Allele frequency attached by ClinVar (database versions not stated): gnomAD 0.00007; TOPMed 0.00009; ExAC 0.00028.
gnomAD v4.1: 67 of 1,277,952 alleles (0.0052%); highest among the groups gnomAD compares: Non-Finnish European, 0.0056%; no homozygotes.

Submissions (2):

Labcorp Genetics (formerly Invitae), Labcorp
Classification: Uncertain significance. Last evaluated: 2026-01-16. Review status: criteria provided, single submitter. Criteria: Invitae Variant Classification Sherloc (09022015). Collection method: clinical testing. Allele origin: germline.
Comment: This sequence change replaces alanine, which is neutral and non-polar, with glycine, which is neutral and non-polar, at codon 326 of the FOXC2 protein (p.Ala326Gly). This variant is present in population databases (rs759586263, gnomAD 0.07%). This variant has not been reported in the literature in individuals affected with FOXC2-related conditions. ClinVar contains an entry for this variant (Variation ID: 2193935). An algorithm developed to predict the effect of missense changes on protein structure and function (PolyPhen-2) suggests that this variant is likely to be tolerated. In summary, the available evidence is currently insufficient to determine the role of this variant in disease. Therefore, it has been classified as a Variant of Uncertain Significance.

Ambry Genetics
Classification: Uncertain significance for Inborn genetic diseases. Last evaluated: 2021-09-28. Review status: criteria provided, single submitter. Criteria: Ambry Variant Classification Scheme 2023. Collection method: clinical testing. Allele origin: germline.

NM_005251.3(FOXC2):c.977C>G (p.Ala326Gly)

Gene: FOXC2 (forkhead box C2; plus strand). Cytogenetic location: 16q24.1.
Variant type: single nucleotide variant.
Coding change: c.977C>G on transcript NM_005251.3 (MANE Select); coding-DNA position 977, C replaced by G.
Protein change: p.Ala326Gly; replaces alanine 326 with glycine.
Molecular consequence: missense variant.
Genome position (GRCh38, 1-based): chr16:86,568,312, C>G. VCF-style: chr16-86568312-C-G. GRCh37 (hg19) VCF-style: chr16-86601918-C-G.
Other names: c.977C>G (NM_005251.2); short protein forms A326G.
Identifiers: ClinVar variation 2193935 (VCV002193935.5), dbSNP rs759586263, ClinGen allele CA8218412.
Genomic context (GRCh38, chr16:86,568,312, plus strand): 5'-CCGCCGCGCCGCCCGCCGCCTACGGCCAGCCGTGCGCTCAGGGCCTGGAGGCCGGGGCCG[C>G]CGGGGGCTACCAGTGCAGCATGCGAGCGATGAGCCTGTACACCGGGGCCGAGCGGCCGGC-3'
Protein context (NP_005242.1, residues 316-336): PCAQGLEAGA[Ala326Gly]GGYQCSMRAM